The following is an entry in ClinVar:

ClinVar aggregate classification (germline): Uncertain significance (1 of 4 stars; one submission).

Conditions:
Developmental and epileptic encephalopathy, 12 (DEE12). Identifiers: MedGen C3150988, MONDO:0013389, OMIM 613722.

Allele frequency attached by ClinVar (database versions not stated): gnomAD 0.00001; TOPMed 0.00001.
gnomAD v4.1: 1 of 1,613,600 alleles (0.000062%); highest among the groups gnomAD compares: African/African-American, 0.0013%; no homozygotes.

Submission:

Labcorp Genetics (formerly Invitae), Labcorp
Classification: Uncertain significance for Developmental and epileptic encephalopathy, 12. Last evaluated: 2022-08-16. Review status: criteria provided, single submitter. Criteria: Invitae Variant Classification Sherloc (09022015). Collection method: clinical testing. Allele origin: germline.
Comment: This sequence change replaces alanine, which is neutral and non-polar, with serine, which is neutral and polar, at codon 712 of the PLCB1 protein (p.Ala712Ser). This variant is not present in population databases (gnomAD no frequency). This variant has not been reported in the literature in individuals affected with PLCB1-related conditions. ClinVar contains an entry for this variant (Variation ID: 951959). Algorithms developed to predict the effect of missense changes on protein structure and function are either unavailable or do not agree on the potential impact of this missense change (SIFT: "Tolerated"; PolyPhen-2: "Possibly Damaging"; Align-GVGD: "Class C0"). In summary, the available evidence is currently insufficient to determine the role of this variant in disease. Therefore, it has been classified as a Variant of Uncertain Significance.

NM_015192.4(PLCB1):c.2134G>T (p.Ala712Ser)

Gene: PLCB1 (phospholipase C beta 1; plus strand). Cytogenetic location: 20p12.3.
Variant type: single nucleotide variant.
Coding change: c.2134G>T on transcript NM_015192.4 (MANE Select); coding-DNA position 2134, G replaced by T.
Protein change: p.Ala712Ser; replaces alanine 712 with serine.
Molecular consequence: missense variant.
Genome position (GRCh38, 1-based): chr20:8,737,118, G>T. VCF-style: chr20-8737118-G-T. GRCh37 (hg19) VCF-style: chr20-8717765-G-T.
Other names: c.2134G>T, p.Ala712Ser (NM_182734.3); short protein forms A712S.
Identifiers: ClinVar variation 951959 (VCV000951959.7), dbSNP rs978185234, ClinGen allele CA311261149.
Genomic context (GRCh38, chr20:8,737,118, plus strand): 5'-AAAGTTGGGACTTACGTGGAAGTAGATATGTTTGGTTTGCCTGTGGATACAAGGAGGAAG[G>T]CATTTAAGACCAAAACATCCCAAGGAAATGCTGTGAATCCTGTCTGGGAAGAAGAACCTA-3'
Protein context (NP_056007.1, residues 702-722): FGLPVDTRRK[Ala712Ser]FKTKTSQGNA